The following is an entry in ClinVar:

ClinVar aggregate classification (germline): Likely benign (0 of 4 stars; one submission).

Conditions:
PHACTR1-related disorder. Also called: PHACTR1-related condition.

Submissions (5):

PreventionGenetics, part of Exact Sciences
Classification: Likely benign for PHACTR1-related condition. Last evaluated: 2019-07-10. Review status: no assertion criteria provided. Collection method: clinical testing. Allele origin: germline.
Comment: This variant is classified as likely benign based on ACMG/AMP sequence variant interpretation guidelines (Richards et al. 2015 PMID: 25741868, with internal and published modifications).

Dr. Peter K. Rogan Lab, Western University
No classification provided (evidence only). Condition: Colon adenocarcinoma. Review status: no classification provided. Collection method: in vitro. Allele origin: not applicable. Functional consequence: retained intron. Not counted in ClinVar's aggregate classification.

Dr. Peter K. Rogan Lab, Western University
No classification provided (evidence only). Condition: Hepatocellular carcinoma. Review status: no classification provided. Collection method: in vitro. Allele origin: not applicable. Functional consequence: retained intron. Not counted in ClinVar's aggregate classification.

Dr. Peter K. Rogan Lab, Western University
No classification provided (evidence only). Condition: Uterine corpus endometrial carcinoma. Review status: no classification provided. Collection method: in vitro. Allele origin: not applicable. Functional consequence: retained intron. Not counted in ClinVar's aggregate classification.

Dr. Peter K. Rogan Lab, Western University
No classification provided (evidence only). Condition: Uterine corpus endometrial carcinoma. Review status: no classification provided. Collection method: in vitro. Allele origin: not applicable. Functional consequence: retained intron. Not counted in ClinVar's aggregate classification.

NM_030948.6(PHACTR1):c.1448-3del

Genes: PHACTR1 (phosphatase and actin regulator 1; plus strand), TBC1D7-LOC100130357 (TBC1D7-LOC100130357 readthrough; minus strand), LOC100130357 (uncharacterized LOC100130357; minus strand), LOC129995804 (ATAC-STARR-seq lymphoblastoid active region 24022; plus strand). Cytogenetic location: 6p24.1.
Variant type: Deletion.
Coding change: c.1448-3del on transcript NM_030948.6 (MANE Select); 3 bases into the intron before coding-DNA position 1448, one base deleted (T; older notation c.1448-3delT).
Molecular consequence: intron variant.
Genome position (GRCh38, 1-based): chr6:13,278,265, T deleted; the last of 8 consecutive T bases (chr6:13,278,258-13,278,265); deleting any one gives the same sequence. VCF-style (leftmost placement, unchanged base first): chr6-13278257-AT-A. GRCh37 (hg19) VCF-style: chr6-13278489-AT-A.
Other names: NC_000006.11:g.13278497del; c.1448-3del (NM_001242648.4, NM_001374581.2, NM_001322308.3 and 1 more transcripts); c.1655-3del (NM_001322310.2); c.1379-3del (NM_001322313.2); c.1172-3del (NM_001322312.3, NM_001322311.2, NM_001374583.2); c.1658-3del (NM_001322314.4); c.*40-10423del (NM_001318809.2).
Identifiers: ClinVar variation 3043407 (VCV003043407.3), dbSNP rs771327107, ClinGen allele CA3639383.